The following is an entry in ClinVar:

ClinVar aggregate classification (germline): Likely benign (1 of 4 stars; one submission).

Allele frequency attached by ClinVar (database versions not stated): 1000 Genomes Project 0.00080; 1000 Genomes Project 30x 0.00094; ExAC 0.00163; gnomAD 0.00179; TOPMed 0.00189; ESP Exome Variant Server 0.00223; gnomAD exomes 0.00322.
gnomAD v4.1: 4,958 of 1,614,064 alleles (0.31%); highest among the groups gnomAD compares: Non-Finnish European, 0.38%; 10 homozygotes.

Submission:

CeGaT Center for Human Genetics Tuebingen
Classification: Likely benign. Last evaluated: 2022-10-01. Review status: criteria provided, single submitter. Criteria: CeGaT Center For Human Genetics Tuebingen Variant Classification Criteria Version 2. Collection method: clinical testing. Allele origin: germline. Affected: yes. Observed: 1 variant allele.
Comment: PDZRN3: BP4, BP7

NM_015009.3(PDZRN3):c.2445C>T (p.Pro815=)

Gene: PDZRN3 (PDZ domain containing ring finger 3; minus strand). Cytogenetic location: 3p13.
Variant type: single nucleotide variant.
Coding change: c.2445C>T on transcript NM_015009.3 (MANE Select); coding-DNA position 2445, C replaced by T.
Protein change: p.Pro815=; no amino-acid change (proline 815 retained).
Molecular consequence: synonymous variant.
Genome position (GRCh38, 1-based): chr3:73,384,121, G>A on the plus strand (C>T on the coding strand, the complement: PDZRN3 is on the minus strand). VCF-style: chr3-73384121-G-A. GRCh37 (hg19) VCF-style: chr3-73433272-G-A.
Other names: c.1539C>T, p.Pro513= (NM_001303139.2); c.1416C>T, p.Pro472= (NM_001303140.2); c.1611C>T, p.Pro537= (NM_001303141.2); c.1596C>T, p.Pro532= (NM_001303142.2).
Identifiers: ClinVar variation 2653969 (VCV002653969.24), dbSNP rs61739225, ClinGen allele CA2493996.
Genomic context (GRCh38, chr3:73,384,121, plus strand): 5'-CAGGGGCTGGTTGGGGTCCAGCTCCTTCAGGGACGGGCTATAGGTAGGGGTGCCCACTTC[G>A]GGATCTTCCGTGATGGAGAGCAGATTCTTGGAGGCTGGCCCGTAGGCTTCCGTGGTCCCC-3'
Protein context (NP_055824.1, residues 805-825): SKNLLSITED[Pro815=]EVGTPTYSPS